The following is an entry in ClinVar:

ClinVar aggregate classification (germline): Pathogenic/Likely pathogenic. Review status: criteria provided, multiple submitters, no conflicts (2 of 4 stars). 2 submissions from 2 submitters: Pathogenic (1); Likely pathogenic (1). Last evaluated 2026-06-23.

Conditions:
Neurofibromatosis, type 1 (NF1). Also called: Peripheral type neurofibromatosis; VON RECKLINGHAUSEN DISEASE; NEUROFIBROMATOSIS, TYPE I, SOMATIC; Neurofibromatosis, type I. Identifiers: Orphanet 636, MedGen C0027831, MONDO:0018975, OMIM 162200. Disease mechanism: loss of function.
Hereditary cancer-predisposing syndrome. Also called: Tumor predisposition; Hereditary neoplastic syndrome; Hereditary Cancer Syndrome; Neoplastic Syndromes, Hereditary. Identifiers: Orphanet 140162, MedGen C0027672, MeSH D009386, MONDO:0015356.
Cardiovascular phenotype. Identifiers: MedGen CN230736.

Submissions (2):

Ambry Genetics
Classification: Likely pathogenic for Cardiovascular phenotype; Hereditary cancer-predisposing syndrome. Last evaluated: 2026-06-23. Review status: criteria provided, single submitter. Criteria: Ambry Variant Classification Scheme 2023. Collection method: clinical testing. Allele origin: germline.
Comment: The c.434_435delTCinsCT variant, located in coding exon 4 of the NF1 gene, results from an in-frame deletion of TC and insertion of CT at nucleotide positions 434 to 435. This results in the substitution of the leucine residue for a proline residue at codon 145, an amino acid with similar properties. This variant was reported in individual(s) with features consistent with Neurofibromatosis type 1 (Mattocks C et al. J Med Genet, 2004 Apr;41:e48; Zhu L et al. Medicine (Baltimore), 2016 Mar;95:e3043; Ambry internal data). This amino acid position is highly conserved in available vertebrate species. In addition, this variant is predicted to be deleterious by in silico analysis. Based on the majority of available evidence to date, this variant is likely to be pathogenic.

Labcorp Genetics (formerly Invitae), Labcorp
Classification: Pathogenic for Neurofibromatosis, type 1. Last evaluated: 2025-02-09. Review status: criteria provided, single submitter. Criteria: Invitae Variant Classification Sherloc (09022015). Collection method: clinical testing. Allele origin: germline.
Comment: This sequence change replaces leucine, which is neutral and non-polar, with proline, which is neutral and non-polar, at codon 145 of the NF1 protein (p.Leu145Pro). Information on the frequency of this variant in the gnomAD database is not available, as this variant may be reported differently in the database. This missense change has been observed in individual(s) with neurofibromatosis type 1 (PMID: 15060124, 26962827; internal data). An algorithm developed to predict the effect of missense changes on protein structure and function (PolyPhen-2) suggests that this variant is likely to be disruptive. This variant disrupts the p.Leu145 amino acid residue in NF1. Other variant(s) that disrupt this residue have been determined to be pathogenic (PMID: 15060124, 26962827). This suggests that this residue is clinically significant, and that variants that disrupt this residue are likely to be disease-causing. For these reasons, this variant has been classified as Pathogenic.

Literature cited by the submitters: PubMed 15060124 (cited by Ambry Genetics and Labcorp Genetics (formerly Invitae), Labcorp); PubMed 26962827 (cited by Ambry Genetics and Labcorp Genetics (formerly Invitae), Labcorp).

NM_001042492.3(NF1):c.434_435delinsCT (p.Leu145Pro)

Gene: NF1 (neurofibromin 1; plus strand). Cytogenetic location: 17q11.2.
Variant type: Indel.
Coding change: c.434_435delinsCT on transcript NM_001042492.3 (MANE Select); coding-DNA positions 434 to 435, TC replaced by CT.
Protein change: p.Leu145Pro; replaces leucine 145 with proline.
Molecular consequence: missense variant.
Genome position (GRCh38, 1-based): chr17:31,163,331-31,163,332, TC replaced by CT. VCF-style: chr17-31163331-TC-CT. GRCh37 (hg19) VCF-style: chr17-29490349-TC-CT.
Other names: c.434_435delTCinsCT (NM_000267.3); c.434_435delTCinsCT, p.Leu145Pro (NM_000267.4); c.434_435delinsCT, p.Leu145Pro (NM_001128147.3); short protein forms L145P.
Identifiers: ClinVar variation 3641135 (VCV003641135.3).